The following is an entry in ClinVar:

ClinVar aggregate classification (germline): Uncertain significance (1 of 4 stars; one submission).

Submission:

GeneDx
Classification: Uncertain significance. Last evaluated: 2024-12-17. Review status: criteria provided, single submitter. Criteria: GeneDx Variant Classification Process June 2021. Collection method: clinical testing. Allele origin: germline. Affected: yes.
Comment: Not observed at significant frequency in large population cohorts (gnomAD); In silico analysis supports that this missense variant has a deleterious effect on protein structure/function; Has not been previously published as pathogenic or benign to our knowledge

NM_002585.4(PBX1):c.758A>G (p.Tyr253Cys)

Gene: PBX1 (PBX homeobox 1; plus strand). Cytogenetic location: 1q23.3.
Variant type: single nucleotide variant.
Coding change: c.758A>G on transcript NM_002585.4 (MANE Select); coding-DNA position 758, A replaced by G.
Protein change: p.Tyr253Cys; replaces tyrosine 253 with cysteine.
Molecular consequence: missense variant.
Genome position (GRCh38, 1-based): chr1:164,807,598, A>G. VCF-style: chr1-164807598-A-G. GRCh37 (hg19) VCF-style: chr1-164776835-A-G.
Other names: c.758A>G, p.Tyr253Cys (NM_001204961.2, NM_001204963.2, NM_001353131.2); c.509A>G, p.Tyr170Cys (NM_001353130.1); short protein forms Y170C, Y253C.
Identifiers: ClinVar variation 3906709 (VCV003906709.1).